The following is an entry in ClinVar:

NM_000081.4(LYST):c.5578A>G (p.Met1860Val)

Gene: LYST (lysosomal trafficking regulator; minus strand). Cytogenetic location: 1q42.3.
Variant type: single nucleotide variant.
Coding change: c.5578A>G on transcript NM_000081.4 (MANE Select); coding-DNA position 5578, A replaced by G.
Protein change: p.Met1860Val; replaces methionine 1860 with valine.
Molecular consequence: missense variant.
Genome position (GRCh38, 1-based): chr1:235,774,969, T>C on the plus strand (A>G on the coding strand, the complement: LYST is on the minus strand). VCF-style: chr1-235774969-T-C. GRCh37 (hg19) VCF-style: chr1-235938269-T-C.
Other names: p.Met1860Val; c.5578A>G, p.Met1860Val (NM_001301365.1); short protein forms M1860V.
Identifiers: ClinVar variation 841091 (VCV000841091.12), dbSNP rs368738466, ClinGen allele CA39621523.

ClinVar aggregate classification (germline): Uncertain significance. Review status: criteria provided, multiple submitters, no conflicts (2 of 4 stars). 6 submissions from 6 submitters: Uncertain significance (6). Last evaluated 2025-09-26.

Conditions:
Chédiak-Higashi syndrome (CHS). Also called: Chediak-Higashi Syndrome. Identifiers: Orphanet 167, MedGen C0007965, MONDO:0008963, OMIM 214500.
LYST-related disorder. Also called: LYST-related condition.

Allele frequency attached by ClinVar (database versions not stated): gnomAD 0.00001; ESP Exome Variant Server 0.00008.

Submissions (6):

Labcorp Genetics (formerly Invitae), Labcorp
Classification: Uncertain significance for Chédiak-Higashi syndrome. Last evaluated: 2025-09-26. Review status: criteria provided, single submitter. Criteria: Invitae Variant Classification Sherloc (09022015). Collection method: clinical testing. Allele origin: germline.
Comment: This sequence change replaces methionine, which is neutral and non-polar, with valine, which is neutral and non-polar, at codon 1860 of the LYST protein (p.Met1860Val). This variant is present in population databases (rs368738466, gnomAD 0.007%). This missense change has been observed in individual(s) with hemophagocytic lymphohistiocytosis (PMID: 30899265). ClinVar contains an entry for this variant (Variation ID: 841091). Invitae Evidence Modeling of protein sequence and biophysical properties (such as structural, functional, and spatial information, amino acid conservation, physicochemical variation, residue mobility, and thermodynamic stability) indicates that this missense variant is not expected to disrupt LYST protein function with a negative predictive value of 80%. In summary, the available evidence is currently insufficient to determine the role of this variant in disease. Therefore, it has been classified as a Variant of Uncertain Significance.

Mayo Clinic Laboratories, Mayo Clinic
Classification: Uncertain significance. Last evaluated: 2025-02-14. Review status: criteria provided, single submitter. Criteria: ACMG Guidelines, 2015. Collection method: clinical testing. Allele origin: germline. Observed: 1 variant allele.
Comment: BP4

PreventionGenetics, part of Exact Sciences
Classification: Uncertain significance for LYST-related condition. Last evaluated: 2024-10-25. Review status: criteria provided, single submitter. Criteria: ACMG Guidelines, 2015. Collection method: clinical testing. Allele origin: germline.
Comment: The LYST c.5578A>G variant is predicted to result in the amino acid substitution p.Met1860Val. This variant was reported in an individual with haemophagocytic lymphohistiocytosis, although pathogenicity was not clearly established (Miao et al 2019. PubMed ID: 30899265). This variant is reported in 0.0065% of alleles in individuals of South Asian descent in gnomAD. At this time, the clinical significance of this variant is uncertain due to the absence of conclusive functional and genetic evidence.

Women's Health and Genetics/Laboratory Corporation of America, LabCorp
Classification: Uncertain significance. Last evaluated: 2023-05-26. Review status: criteria provided, single submitter. Criteria: LabCorp Variant Classification Summary - May 2015. Collection method: clinical testing. Allele origin: germline.
Comment: Variant summary: LYST c.5578A>G (p.Met1860Val) results in a conservative amino acid change in the encoded protein sequence. Three of five in-silico tools predict a benign effect of the variant on protein function. The variant allele was found at a frequency of 8e-06 in 250344 control chromosomes (gnomAD). The available data on variant occurrences in the general population are insufficient to allow any conclusion about variant significance. c.5578A>G has been reported in the literature in an individual affected with Hemophagocytic lymphohistiocytosis with a non-informative genotype (Miao_2019). These report(s) do not provide unequivocal conclusions about association of the variant with Chediak-Higashi Syndrome. To our knowledge, no experimental evidence demonstrating an impact on protein function has been reported. The following publication has been ascertained in the context of this evaluation (PMID: 30899265). Three clinical diagnostic laboratories have submitted clinical-significance assessments for this variant to ClinVar after 2014 and all classified the variant as uncertain significance. Based on the evidence outlined above, the variant was classified as uncertain significance.

Fulgent Genetics
Classification: Uncertain significance for Chédiak-Higashi syndrome. Last evaluated: 2021-09-09. Review status: criteria provided, single submitter. Criteria: ACMG Guidelines, 2015. Collection method: clinical testing. Allele origin: unknown.

GeneDx
Classification: Uncertain significance. Last evaluated: 2020-01-03. Review status: criteria provided, single submitter. Criteria: GeneDx Variant Classification Process June 2021. Collection method: clinical testing. Allele origin: germline. Affected: yes.
Comment: Not observed at a significant frequency in large population cohorts (Lek et al., 2016); In silico analysis, which includes protein predictors and evolutionary conservation, supports that this variant does not alter protein structure/function; Observed in a case in a cohort of patients with hemophagocytic lymphohistiocytosis (Miao et al., 2019); This variant is associated with the following publications: (PMID: 30899265)

Literature cited by the submitters: PubMed 30899265 (cited by 3 submitters).